The following is an entry in ClinVar:

NM_001042492.3(NF1):c.3495A>G (p.Ile1165Met)

Gene: NF1 (neurofibromin 1; plus strand). Cytogenetic location: 17q11.2.
Variant type: single nucleotide variant.
Coding change: c.3495A>G on transcript NM_001042492.3 (MANE Select); coding-DNA position 3495, A replaced by G.
Protein change: p.Ile1165Met; replaces isoleucine 1165 with methionine.
Molecular consequence: missense variant.
Genome position (GRCh38, 1-based): chr17:31,232,880, A>G. VCF-style: chr17-31232880-A-G. GRCh37 (hg19) VCF-style: chr17-29559898-A-G.
Other names: c.3495A>G, p.Ile1165Met (NM_000267.4); short protein forms I1165M.
Identifiers: ClinVar variation 426888 (VCV000426888.2), dbSNP rs876660814, ClinGen allele CA398989530.

ClinVar aggregate classification (germline): Uncertain significance (1 of 4 stars; one submission).

Submission:

GeneDx
Classification: Uncertain significance. Last evaluated: 2017-03-29. Review status: criteria provided, single submitter. Criteria: GeneDx Variant Classification (06012015). Collection method: clinical testing. Allele origin: germline. Affected: yes.
Comment: The I1165M variant in the NF1 gene has not been reported previously as a pathogenic variant, nor as a benign variant, to our knowledge. The I1165M variant is not observed in large population cohorts (Lek et al., 2016; 1000 Genomes Consortium et al., 2015; Exome Variant Server). The I1165M variant is a conservative amino acid substitution, which is not likely to impact secondary protein structure as these residues share similar properties. This substitution occurs at a position that is conserved across species. In silico analysis is inconsistent in its predictions as to whether or not the variant is damaging to the protein structure/function. We interpret I1165M as a variant of uncertain significance